The following is an entry in ClinVar:

ClinVar aggregate classification (germline): Uncertain significance (1 of 4 stars; one submission).

Submission:

Labcorp Genetics (formerly Invitae), Labcorp
Classification: Uncertain significance. Last evaluated: 2022-08-06. Review status: criteria provided, single submitter. Criteria: Invitae Variant Classification Sherloc (09022015). Collection method: clinical testing. Allele origin: germline.
Comment: This sequence change replaces glycine, which is neutral and non-polar, with alanine, which is neutral and non-polar, at codon 102 of the CA4 protein (p.Gly102Ala). In summary, the available evidence is currently insufficient to determine the role of this variant in disease. Therefore, it has been classified as a Variant of Uncertain Significance. Algorithms developed to predict the effect of sequence changes on RNA splicing suggest that this variant may create or strengthen a splice site. Algorithms developed to predict the effect of missense changes on protein structure and function are either unavailable or do not agree on the potential impact of this missense change (SIFT: "Not Available"; PolyPhen-2: "Probably Damaging"; Align-GVGD: "Not Available"). This variant has not been reported in the literature in individuals affected with CA4-related conditions. This variant is not present in population databases (gnomAD no frequency).

NM_000717.5(CA4):c.305G>C (p.Gly102Ala)

Gene: CA4 (carbonic anhydrase 4; plus strand). Cytogenetic location: 17q23.1.
Variant type: single nucleotide variant.
Coding change: c.305G>C on transcript NM_000717.5 (MANE Select); coding-DNA position 305, G replaced by C.
Protein change: p.Gly102Ala; replaces glycine 102 with alanine.
Molecular consequence: missense variant. On other transcripts: non-coding transcript variant (1).
Genome position (GRCh38, 1-based): chr17:60,157,463, G>C. VCF-style: chr17-60157463-G-C. GRCh37 (hg19) VCF-style: chr17-58234824-G-C.
Other names: short protein forms G102A.
Identifiers: ClinVar variation 1715352 (VCV001715352.5), dbSNP rs2544519824, ClinGen allele CA400454614.